The following is an entry in ClinVar:

ClinVar aggregate classification (germline): Uncertain significance (1 of 4 stars; one submission).

Conditions:
Multiple endocrine neoplasia, type 2 (MEN2). Identifiers: Orphanet 653, MedGen C4048306, MONDO:0019003. Disease mechanism: gain of function.

gnomAD v4.1: 1 of 1,613,048 alleles (0.000062%); no homozygotes.

Submission:

Labcorp Genetics (formerly Invitae), Labcorp
Classification: Uncertain significance for Multiple endocrine neoplasia, type 2. Last evaluated: 2021-06-03. Review status: criteria provided, single submitter. Criteria: Invitae Variant Classification Sherloc (09022015). Collection method: clinical testing. Allele origin: germline.
Comment: In summary, the available evidence is currently insufficient to determine the role of this variant in disease. Therefore, it has been classified as a Variant of Uncertain Significance. Algorithms developed to predict the effect of sequence changes on RNA splicing suggest that this variant is not likely to affect RNA splicing, but this prediction has not been confirmed by published transcriptional studies. This variant has not been reported in the literature in individuals with RET-related conditions. This variant is not present in population databases (ExAC no frequency). This sequence change affects codon 586 of the RET mRNA. It is a 'silent' change, meaning that it does not change the encoded amino acid sequence of the RET protein.

NM_020975.6(RET):c.1758C>T (p.Leu586=)

Gene: RET (ret proto-oncogene; plus strand). Cytogenetic location: 10q11.21.
Variant type: single nucleotide variant.
Coding change: c.1758C>T on transcript NM_020975.6 (MANE Select); coding-DNA position 1758, C replaced by T.
Protein change: p.Leu586=; no amino-acid change (leucine 586 retained).
Molecular consequence: synonymous variant.
Genome position (GRCh38, 1-based): chr10:43,112,962, C>T. VCF-style: chr10-43112962-C-T. GRCh37 (hg19) VCF-style: chr10-43608410-C-T.
Other names: c.1758C>T, p.Leu586= (NM_000323.2, NM_001406743.1, NM_001406744.1 and 6 more transcripts); c.996C>T, p.Leu332= (NM_001355216.2); c.1629C>T, p.Leu543= (NM_001406761.1, NM_001406762.1, NM_001406764.1 and 1 more transcripts); c.1470C>T, p.Leu490= (NM_001406766.1, NM_001406767.1, NM_001406770.1); c.1362C>T, p.Leu454= (NM_001406769.1, NM_001406772.1); c.1320C>T, p.Leu440= (NM_001406771.1, NM_001406773.1); c.1233C>T, p.Leu411= (NM_001406774.1); c.1032C>T, p.Leu344= (NM_001406775.1, NM_001406776.1, NM_001406777.1 and 1 more transcripts); and 5 more.
Identifiers: ClinVar variation 1496040 (VCV001496040.9), dbSNP rs2132817702, ClinGen allele CA469027785.